The following is an entry in ClinVar:

ClinVar aggregate classification (germline): Likely benign. Review status: criteria provided, multiple submitters, no conflicts (2 of 4 stars). 2 submissions from 2 submitters: Likely benign (2). Last evaluated 2025-04-01.

Allele frequency attached by ClinVar (database versions not stated): gnomAD exomes below 0.00001 and 0.00001; ExAC 0.00001; gnomAD 0.00005 and 0.00006; TOPMed 0.00007.
gnomAD v4.1: 15 of 1,613,904 alleles (0.00093%); highest among the groups gnomAD compares: Admixed American, 0.013%; no homozygotes.

Submissions (2):

CeGaT Center for Human Genetics Tuebingen
Classification: Likely benign. Last evaluated: 2025-04-01. Review status: criteria provided, single submitter. Criteria: CeGaT Center For Human Genetics Tuebingen Variant Classification Criteria Version 2. Collection method: clinical testing. Allele origin: germline. Affected: yes. Observed: 1 variant allele.
Comment: NFKB1: BP4, BP7

Labcorp Genetics (formerly Invitae), Labcorp
Classification: Likely benign. Last evaluated: 2024-12-26. Review status: criteria provided, single submitter. Criteria: Invitae Variant Classification Sherloc (09022015). Collection method: clinical testing. Allele origin: germline.

NM_003998.4(NFKB1):c.2487A>C (p.Pro829=)

Gene: NFKB1 (nuclear factor kappa B subunit 1; plus strand). Cytogenetic location: 4q24.
Variant type: single nucleotide variant.
Coding change: c.2487A>C on transcript NM_003998.4 (MANE Select); coding-DNA position 2487, A replaced by C.
Protein change: p.Pro829=; no amino-acid change (proline 829 retained).
Molecular consequence: synonymous variant.
Genome position (GRCh38, 1-based): chr4:102,612,501, A>C. VCF-style: chr4-102612501-A-C. GRCh37 (hg19) VCF-style: chr4-103533658-A-C.
Other names: c.2484A>C, p.Pro828= (NM_001165412.2, NM_001319226.2, NM_001382627.1); c.2487A>C, p.Pro829= (NM_001382625.1, NM_001382626.1); c.2445A>C, p.Pro815= (NM_001382628.1).
Identifiers: ClinVar variation 1591570 (VCV001591570.15), dbSNP rs767272584, ClinGen allele CA3026445.